The following is an entry in ClinVar:

ClinVar aggregate classification (germline): Uncertain significance. Review status: criteria provided, multiple submitters, no conflicts (2 of 4 stars). 2 submissions from 2 submitters: Uncertain significance (2). Last evaluated 2025-06-20.

Conditions:
Cardiovascular phenotype. Identifiers: MedGen CN230736.
Dilated cardiomyopathy 1DD (CMD1DD). Identifiers: Orphanet 154, MedGen C2750995, MONDO:0013168, OMIM 613172.
Primary dilated cardiomyopathy (DCM). Also called: Dilated Cardiomyopathy. Identifiers: Orphanet 217604, MedGen C0007193, MeSH D002311, MONDO:0005021, HP:0001644. Inheritance: Various modes of inheritance.

Allele frequency attached by ClinVar (database versions not stated): TOPMed below 0.00001; gnomAD 0.00001; gnomAD exomes 0.00001.
gnomAD v4.1: 42 of 1,551,516 alleles (0.0027%); highest among the groups gnomAD compares: Non-Finnish European, 0.0035%; no homozygotes.

Submissions (2):

Ambry Genetics
Classification: Uncertain significance for Cardiovascular phenotype. Last evaluated: 2025-06-20. Review status: criteria provided, single submitter. Criteria: Ambry Variant Classification Scheme 2023. Collection method: clinical testing. Allele origin: germline.
Comment: The p.R794S variant (also known as c.2382A>C), located in coding exon 9 of the RBM20 gene, results from an A to C substitution at nucleotide position 2382. The arginine at codon 794 is replaced by serine, an amino acid with dissimilar properties. This amino acid position is conserved. In addition, the in silico prediction for this alteration is inconclusive. Since supporting evidence is limited at this time, the clinical significance of this alteration remains unclear.

Labcorp Genetics (formerly Invitae), Labcorp
Classification: Uncertain significance for Dilated cardiomyopathy 1DD. Last evaluated: 2023-10-14. Review status: criteria provided, single submitter. Criteria: Invitae Variant Classification Sherloc (09022015). Collection method: clinical testing. Allele origin: germline.
Comment: This sequence change replaces arginine, which is basic and polar, with serine, which is neutral and polar, at codon 794 of the RBM20 protein (p.Arg794Ser). This variant is present in population databases (no rsID available, gnomAD 0.002%). This variant has not been reported in the literature in individuals affected with RBM20-related conditions. ClinVar contains an entry for this variant (Variation ID: 1017993). Advanced modeling of protein sequence and biophysical properties (such as structural, functional, and spatial information, amino acid conservation, physicochemical variation, residue mobility, and thermodynamic stability) performed at Invitae indicates that this missense variant is not expected to disrupt RBM20 protein function. In summary, the available evidence is currently insufficient to determine the role of this variant in disease. Therefore, it has been classified as a Variant of Uncertain Significance.

NM_001134363.3(RBM20):c.2382A>C (p.Arg794Ser)

Gene: RBM20 (RNA binding motif protein 20; plus strand). Cytogenetic location: 10q25.2.
Variant type: single nucleotide variant.
Coding change: c.2382A>C on transcript NM_001134363.3 (MANE Select); coding-DNA position 2382, A replaced by C.
Protein change: p.Arg794Ser; replaces arginine 794 with serine.
Molecular consequence: missense variant.
Genome position (GRCh38, 1-based): chr10:110,812,779, A>C. VCF-style: chr10-110812779-A-C. GRCh37 (hg19) VCF-style: chr10-112572537-A-C.
Other names: short protein forms R794S.
Identifiers: ClinVar variation 1017993 (VCV001017993.12), dbSNP rs999008497, ClinGen allele CA213224300.